The following is an entry in ClinVar:

ClinVar aggregate classification (germline): Likely benign. Review status: criteria provided, single submitter (1 of 4 stars). 2 submissions from 2 submitters: Likely benign (1). 1 of the submissions does not count toward it. Last evaluated 2026-01-15.

Conditions:
MKS1-related disorder. Also called: MKS1-related condition; MKS1-related disorders. Identifiers: MedGen CN239382.
Joubert syndrome. Also called: JOUBERT-BOLTSHAUSER SYNDROME; Familial aplasia of the vermis. Identifiers: Orphanet 475, MedGen C5979921, MONDO:0018772.
Meckel-Gruber syndrome. Also called: DYSENCEPHALIA SPLANCHNOCYSTICA; GRUBER SYNDROME; Dysencephalia splachnocystica. Identifiers: Orphanet 564, MedGen C0265215, MONDO:0018921.

Allele frequency attached by ClinVar (database versions not stated): gnomAD exomes 0.00001; TOPMed 0.00002; gnomAD 0.00003.
gnomAD v4.1: 23 of 1,613,816 alleles (0.0014%); highest among the groups gnomAD compares: African/African-American, 0.0027%; no homozygotes.

Submissions (2):

Labcorp Genetics (formerly Invitae), Labcorp
Classification: Likely benign for Joubert syndrome; Meckel-Gruber syndrome. Last evaluated: 2026-01-15. Review status: criteria provided, single submitter. Criteria: Invitae Variant Classification Sherloc (09022015). Collection method: clinical testing. Allele origin: germline.

PreventionGenetics, part of Exact Sciences
Classification: Likely benign for MKS1-related condition. Last evaluated: 2020-06-25. Review status: no assertion criteria provided. Collection method: clinical testing. Allele origin: germline. Not counted in ClinVar's aggregate classification.
Comment: This variant is classified as likely benign based on ACMG/AMP sequence variant interpretation guidelines (Richards et al. 2015 PMID: 25741868, with internal and published modifications).

NM_017777.4(MKS1):c.1274-5C>T

Gene: MKS1 (MKS transition zone complex subunit 1; minus strand). Cytogenetic location: 17q22.
Variant type: single nucleotide variant.
Coding change: c.1274-5C>T on transcript NM_017777.4 (MANE Select); 5 bases into the intron before coding-DNA position 1274, C replaced by T.
Molecular consequence: intron variant.
Genome position (GRCh38, 1-based): chr17:58,207,223, G>A on the plus strand (C>T on the coding strand, the complement: MKS1 is on the minus strand). VCF-style: chr17-58207223-G-A. GRCh37 (hg19) VCF-style: chr17-56284584-G-A.
Other names: c.665-5C>T (NM_001321268.2); c.1273+671C>T (NM_001330397.2); c.1274-5C>T (NM_001321269.2, NM_017777.3).
Identifiers: ClinVar variation 1627152 (VCV001627152.13), dbSNP rs762686385, ClinGen allele CA8669179.